The following is an entry in ClinVar:

NM_004415.4(DSP):c.7256A>C (p.Asn2419Thr)

Gene: DSP (desmoplakin; plus strand). Cytogenetic location: 6p24.3.
Variant type: single nucleotide variant.
Coding change: c.7256A>C on transcript NM_004415.4 (MANE Select); coding-DNA position 7256, A replaced by C.
Protein change: p.Asn2419Thr; replaces asparagine 2419 with threonine.
Molecular consequence: missense variant.
Genome position (GRCh38, 1-based): chr6:7,584,518, A>C. VCF-style: chr6-7584518-A-C. GRCh37 (hg19) VCF-style: chr6-7584751-A-C.
Other names: c.5459A>C, p.Asn1820Thr (NM_001008844.3); c.5927A>C, p.Asn1976Thr (NM_001319034.2); short protein forms N1820T, N1976T, N2419T.
Identifiers: ClinVar variation 3755742 (VCV003755742.2).

ClinVar aggregate classification (germline): Uncertain significance (1 of 4 stars; one submission).

Conditions:
Arrhythmogenic right ventricular dysplasia 8 (ARVD8). Also called: Arrhythmogenic Right Ventricular Dysplasia/Cardiomyopathy 8; ARRHYTHMOGENIC RIGHT VENTRICULAR DYSPLASIA, FAMILIAL, 8; ARRHYTHMOGENIC RIGHT VENTRICULAR CARDIOMYOPATHY 8. Identifiers: MedGen C1843896, MONDO:0011831, OMIM 607450.
Arrhythmogenic cardiomyopathy with wooly hair and keratoderma. Also called: PALMOPLANTAR KERATODERMA WITH LEFT VENTRICULAR CARDIOMYOPATHY AND WOOLLY HAIR; Carvajal syndrome; Dilated cardiomyopathy with woolly hair and keratoderma; Arrhythmogenic cardiomyopathy with woolly hair and keratoderma. Identifiers: Orphanet 65282, MedGen C1854063, MONDO:0011581, OMIM 605676.

Submission:

Labcorp Genetics (formerly Invitae), Labcorp
Classification: Uncertain significance for Arrhythmogenic cardiomyopathy with wooly hair and keratoderma; Arrhythmogenic right ventricular dysplasia 8. Last evaluated: 2024-04-07. Review status: criteria provided, single submitter. Criteria: Invitae Variant Classification Sherloc (09022015). Collection method: clinical testing. Allele origin: germline.
Comment: This sequence change replaces asparagine, which is neutral and polar, with threonine, which is neutral and polar, at codon 2419 of the DSP protein (p.Asn2419Thr). This variant is not present in population databases (gnomAD no frequency). This variant has not been reported in the literature in individuals affected with DSP-related conditions. An algorithm developed to predict the effect of missense changes on protein structure and function (PolyPhen-2) suggests that this variant is likely to be disruptive. In summary, the available evidence is currently insufficient to determine the role of this variant in disease. Therefore, it has been classified as a Variant of Uncertain Significance.